The following is an entry in ClinVar:

NM_000548.5(TSC2):c.319G>A (p.Ala107Thr)

Gene: TSC2 (TSC complex subunit 2; plus strand). Cytogenetic location: 16p13.3.
Variant type: single nucleotide variant.
Coding change: c.319G>A on transcript NM_000548.5 (MANE Select); coding-DNA position 319, G replaced by A.
Protein change: p.Ala107Thr; replaces alanine 107 with threonine.
Molecular consequence: missense variant. On other transcripts: 5 prime UTR variant (14), non-coding transcript variant (5), intron variant (9).
Genome position (GRCh38, 1-based): chr16:2,053,435, G>A. VCF-style: chr16-2053435-G-A. GRCh37 (hg19) VCF-style: chr16-2103436-G-A.
Other names: c.319G>A, p.Ala107Thr (NM_001077183.3, NM_001114382.3, NM_001363528.2 and 10 more transcripts); c.172G>A, p.Ala58Thr (NM_001318829.2, NM_001406675.1, NM_001406676.1 and 2 more transcripts); c.352G>A, p.Ala118Thr (NM_001318832.2); c.-498G>A (NM_001406680.1, NM_001406683.1, NM_001406687.1); c.-127G>A (NM_001406681.1); c.-1113G>A (NM_001406689.1, NM_001406690.1, NM_001406691.1 and 2 more transcripts); c.-1419G>A (NM_001406693.1); c.-994G>A (NM_001406694.1, NM_001406695.1); and 4 more; short protein forms A107T, A118T, A58T.
Identifiers: ClinVar variation 3071013 (VCV003071013.3), dbSNP rs1403848498, ClinGen allele CA394305975.

ClinVar aggregate classification (germline): Uncertain significance. Review status: criteria provided, multiple submitters, no conflicts (2 of 4 stars). 2 submissions from 2 submitters: Uncertain significance (2). Last evaluated 2024-02-19.

Conditions:
Tuberous sclerosis syndrome (TSC). Also called: Tuberous Sclerosis Complex; Tuberous sclerosis. Identifiers: Orphanet 805, MedGen C0041341, MONDO:0001734.
Tuberous sclerosis 2 (TSC2). Identifiers: Orphanet 805, MedGen C1860707, MONDO:0013199, OMIM 613254.

Submissions (2):

Labcorp Genetics (formerly Invitae), Labcorp
Classification: Uncertain significance for Tuberous sclerosis 2. Last evaluated: 2024-02-19. Review status: criteria provided, single submitter. Criteria: Invitae Variant Classification Sherloc (09022015). Collection method: clinical testing. Allele origin: germline.
Comment: This sequence change replaces alanine, which is neutral and non-polar, with threonine, which is neutral and polar, at codon 107 of the TSC2 protein (p.Ala107Thr). This variant is not present in population databases (gnomAD no frequency). This variant has not been reported in the literature in individuals affected with TSC2-related conditions. Advanced modeling of protein sequence and biophysical properties (such as structural, functional, and spatial information, amino acid conservation, physicochemical variation, residue mobility, and thermodynamic stability) performed at Invitae indicates that this missense variant is not expected to disrupt TSC2 protein function with a negative predictive value of 95%. In summary, the available evidence is currently insufficient to determine the role of this variant in disease. Therefore, it has been classified as a Variant of Uncertain Significance.

All of Us Research Program, National Institutes of Health
Classification: Uncertain significance for Tuberous sclerosis syndrome. Last evaluated: 2023-05-16. Review status: criteria provided, single submitter. Criteria: ACMG Guidelines, 2015. Collection method: clinical testing. Allele origin: germline. Inheritance: Autosomal dominant inheritance. Observed: 1 variant allele, 1 heterozygote.
Comment: This missense variant replaces alanine with threonine at codon 107 of the TSC2 protein. Computational prediction is inconclusive regarding the impact of this variant on protein structure and function (internally defined REVEL score threshold 0.5 < inconclusive < 0.7, PMID: 27666373). To our knowledge, functional studies have not been reported for this variant. This variant has not been reported in individuals affected with TSC2-related disorders in the literature. This variant has not been identified in the general population by the Genome Aggregation Database (gnomAD). The available evidence is insufficient to determine the role of this variant in disease conclusively. Therefore, this variant is classified as a Variant of Uncertain Significance.

This study involves interpretation of variants in research participants for the purpose of population health screening. Participant phenotype was not available at the time of variant classification. Additional details can be found in publication PMID: 35346344, PMCID: PMC8962531